The following is an entry in ClinVar:

ClinVar aggregate classification (germline): Pathogenic. Review status: criteria provided, multiple submitters, no conflicts (2 of 4 stars). 4 submissions from 4 submitters: Pathogenic (3). 1 of the submissions does not count toward it. Last evaluated 2024-02-24.

Conditions:
LRBA-related disorder. Also called: LRBA-related condition.
Combined immunodeficiency due to LRBA deficiency. Also called: Common variable immunodeficiency 8, with autoimmunity. Identifiers: Orphanet 445018, MedGen C3553512, MONDO:0013863, OMIM 614700.

gnomAD v4.1: 5 of 1,613,280 alleles (0.00031%); highest among the groups gnomAD compares: South Asian, 0.0011%; no homozygotes.

Submissions (4):

Labcorp Genetics (formerly Invitae), Labcorp
Classification: Pathogenic for Combined immunodeficiency due to LRBA deficiency. Last evaluated: 2024-02-24. Review status: criteria provided, single submitter. Criteria: Invitae Variant Classification Sherloc (09022015). Collection method: clinical testing. Allele origin: germline.
Comment: This sequence change replaces isoleucine, which is neutral and non-polar, with serine, which is neutral and polar, at codon 2657 of the LRBA protein (p.Ile2657Ser). This variant is not present in population databases (gnomAD no frequency). This missense change has been observed in individual(s) with early-onset immune deficiency and autoimmunity (PMID: 22608502, 25931386, 28197149). In at least one individual the data is consistent with being in trans (on the opposite chromosome) from a pathogenic variant. It has also been observed to segregate with disease in related individuals. This variant is also known as c.7937T>G: p.I2646S. ClinVar contains an entry for this variant (Variation ID: 35455). Advanced modeling of protein sequence and biophysical properties (such as structural, functional, and spatial information, amino acid conservation, physicochemical variation, residue mobility, and thermodynamic stability) performed at Invitae indicates that this missense variant is not expected to disrupt LRBA protein function with a negative predictive value of 80%. Experimental studies have shown that this missense change affects LRBA function (PMID: 22608502, 25931386). For these reasons, this variant has been classified as Pathogenic.

Blueprint Genetics
Classification: Pathogenic for LRBA-related disorders. Last evaluated: 2019-06-29. Review status: criteria provided, single submitter. Criteria: ACMG Guidelines, 2015. Collection method: clinical testing. Allele origin: germline. Affected: yes. Observed: 1 variant allele.

Neuberg Centre For Genomic Medicine, NCGM
Classification: Pathogenic for Combined immunodeficiency due to LRBA deficiency. Review status: criteria provided, single submitter. Criteria: ACMG Guidelines, 2015. Collection method: clinical testing. Allele origin: germline. Inheritance: Autosomal recessive inheritance. Affected: yes.
Comment: The variant c.7970T>G (p.Ile2657Ser) in LRBA gene has been previously reported in individuals with early-onset immune deficiency and autoimmunity (LopezHerrera G et al, Revel-Vilk S et al). This variant has been reported to the ClinVar database as Pathogenic. The amino acid Ile at position 2657 is changed to a Ser changing protein sequence and it might alter its composition and physico-chemical properties. This sequence change replaces isoleucine with serine at codon 2657 of the LRBA protein (p.Ile2657Ser). The isoleucine residue is moderately conserved and there is a large physicochemical difference between isoleucine and serine. The residue is conserved across species. The variant is predicted to be damaging by both SIFT and PolyPhen2. The amino acid change p.Ile2657Ser in LRBA is predicted as conserved by GERP++ and PhyloP across 100 vertebrates. The p.Ile2657Ser variant is novel (not in any individuals) in gnomAD Exomes and 1000 Genomes. For these reasons, this variant has been classified as pathogenic.

OMIM
Classification: Pathogenic for IMMUNODEFICIENCY, COMMON VARIABLE, 8, WITH AUTOIMMUNITY. Last evaluated: 2012-06-08. Review status: no assertion criteria provided. Collection method: literature only. Allele origin: germline. Not counted in ClinVar's aggregate classification.

Literature cited by the submitters: PubMed 22608502 (cited by Labcorp Genetics (formerly Invitae), Labcorp and OMIM); PubMed 25931386 (cited by Labcorp Genetics (formerly Invitae), Labcorp); PubMed 28197149 (cited by Labcorp Genetics (formerly Invitae), Labcorp).

NM_001364905.1(LRBA):c.7937T>G (p.Ile2646Ser)

Gene: LRBA (LPS responsive beige-like anchor protein; minus strand). Cytogenetic location: 4q31.3.
Variant type: single nucleotide variant.
Coding change: c.7937T>G on transcript NM_001364905.1 (MANE Select); coding-DNA position 7937, T replaced by G.
Protein change: p.Ile2646Ser; replaces isoleucine 2646 with serine.
Molecular consequence: missense variant.
Genome position (GRCh38, 1-based): chr4:150,302,705, A>C on the plus strand (T>G on the coding strand, the complement: LRBA is on the minus strand). VCF-style: chr4-150302705-A-C. GRCh37 (hg19) VCF-style: chr4-151223857-A-C.
Other names: c.7970T>G, p.Ile2657Ser (NM_006726.5); c.7937T>G, p.Ile2646Ser (NM_001199282.3); c.7952T>G, p.Ile2651Ser (NM_001367550.1); short protein forms I2657S, I2646S, I2651S.
Identifiers: ClinVar variation 35455 (VCV000035455.9), dbSNP rs199469663, ClinGen allele CA129909.